The following is an entry in ClinVar:

ClinVar aggregate classification (germline): Conflicting classifications of pathogenicity. Review status: criteria provided, conflicting classifications (1 of 4 stars). 2 submissions from 2 submitters: Uncertain significance (1); Likely benign (1). Last evaluated 2025-03-01.

Conditions:
Inborn genetic diseases. Identifiers: MedGen C0950123, MeSH D030342.

Allele frequency attached by ClinVar (database versions not stated): ESP Exome Variant Server 0.00023; TOPMed 0.00041; gnomAD 0.00050; 1000 Genomes Project 0.00060; 1000 Genomes Project 30x 0.00062; ExAC 0.00064.
gnomAD v4.1: 732 of 1,606,090 alleles (0.046%); highest among the groups gnomAD compares: Non-Finnish European, 0.051%; 1 homozygote.

Submissions (2):

CeGaT Center for Human Genetics Tuebingen
Classification: Likely benign. Last evaluated: 2025-03-01. Review status: criteria provided, single submitter. Criteria: CeGaT Center For Human Genetics Tuebingen Variant Classification Criteria Version 2. Collection method: clinical testing. Allele origin: germline. Affected: yes. Observed: 3 variant alleles.
Comment: AFG2B: BS1:Supporting

Ambry Genetics
Classification: Uncertain significance for Inborn genetic diseases. Last evaluated: 2024-03-04. Review status: criteria provided, single submitter. Criteria: Ambry Variant Classification Scheme 2023. Collection method: clinical testing. Allele origin: germline.

NM_024063.3(AFG2B):c.26C>T (p.Pro9Leu)

Genes: AFG2B (AAA ATPase AFG2B; plus strand), LOC130056996 (ATAC-STARR-seq lymphoblastoid active region 9360; plus strand). Cytogenetic location: 15q21.1.
Variant type: single nucleotide variant.
Coding change: c.26C>T on transcript NM_024063.3 (MANE Select); coding-DNA position 26, C replaced by T.
Protein change: p.Pro9Leu; replaces proline 9 with leucine.
Molecular consequence: missense variant. On other transcripts: non-coding transcript variant (5).
Genome position (GRCh38, 1-based): chr15:45,402,455, C>T. VCF-style: chr15-45402455-C-T. GRCh37 (hg19) VCF-style: chr15-45694653-C-T.
Other names: c.26C>T, p.Pro9Leu (NM_001323640.2); short protein forms P9L.
Identifiers: ClinVar variation 3093019 (VCV003093019.18), dbSNP rs148815842, ClinGen allele CA7543070.